The following is an entry in ClinVar:

ClinVar aggregate classification (germline): Uncertain significance. Review status: criteria provided, multiple submitters, no conflicts (2 of 4 stars). 6 submissions from 6 submitters: Uncertain significance (6). Last evaluated 2026-06-12.

Conditions:
Familial thoracic aortic aneurysm and aortic dissection (TAAD). Also called: Thoracic aortic aneurysms and dissections. Identifiers: Orphanet 91387, MedGen C4707243, MONDO:0019625.
Aortic aneurysm, familial thoracic 4 (AAT4). Also called: AORTIC ANEURYSM/AORTIC DISSECTION AND PATENT DUCTUS ARTERIOSUS. Identifiers: MedGen C1851504, MONDO:0007568, OMIM 132900.

Allele frequency attached by ClinVar (database versions not stated): gnomAD exomes 0.00001.
gnomAD v4.1: 4 of 1,614,216 alleles (0.00025%); highest among the groups gnomAD compares: Non-Finnish European, 0.00034%; no homozygotes.

Submissions (6):

Women's Health and Genetics/Laboratory Corporation of America, LabCorp
Classification: Uncertain significance. Last evaluated: 2026-06-12. Review status: criteria provided, single submitter. Criteria: LabCorp Variant Classification Summary - May 2015. Collection method: clinical testing. Allele origin: germline.

Labcorp Genetics (formerly Invitae), Labcorp
Classification: Uncertain significance for Aortic aneurysm, familial thoracic 4. Last evaluated: 2025-08-22. Review status: criteria provided, single submitter. Criteria: Invitae Variant Classification Sherloc (09022015). Collection method: clinical testing. Allele origin: germline.
Comment: This sequence change replaces glutamine, which is neutral and polar, with histidine, which is basic and polar, at codon 662 of the MYH11 protein (p.Gln662His). This variant is not present in population databases (gnomAD no frequency). This variant has not been reported in the literature in individuals affected with MYH11-related conditions. ClinVar contains an entry for this variant (Variation ID: 1332194). Invitae Evidence Modeling of protein sequence and biophysical properties (such as structural, functional, and spatial information, amino acid conservation, physicochemical variation, residue mobility, and thermodynamic stability) indicates that this missense variant is not expected to disrupt MYH11 protein function with a negative predictive value of 95%. In summary, the available evidence is currently insufficient to determine the role of this variant in disease. Therefore, it has been classified as a Variant of Uncertain Significance.

Ambry Genetics
Classification: Uncertain significance for Familial thoracic aortic aneurysm and aortic dissection. Last evaluated: 2025-03-31. Review status: criteria provided, single submitter. Criteria: Ambry Variant Classification Scheme 2023. Collection method: clinical testing. Allele origin: germline.
Comment: The p.Q655H variant (also known as c.1965G>T), located in coding exon 15 of the MYH11 gene, results from a G to T substitution at nucleotide position 1965. The glutamine at codon 655 is replaced by histidine, an amino acid with highly similar properties. This amino acid position is conserved. In addition, the in silico prediction for this alteration is inconclusive. Based on the available evidence, the clinical significance of this variant remains unclear.

Color Diagnostics, LLC DBA Color Health
Classification: Uncertain significance for Familial thoracic aortic aneurysm and aortic dissection. Last evaluated: 2024-03-06. Review status: criteria provided, single submitter. Criteria: ACMG Guidelines, 2015. Collection method: clinical testing. Allele origin: germline.
Comment: This missense variant replaces glutamine with histidine at codon 662 of the MYH11 protein. Computational prediction is inconclusive regarding the impact of this variant on protein structure and function (internally defined REVEL score threshold 0.5 < inconclusive < 0.7, PMID: 27666373). To our knowledge, functional studies have not been reported for this variant. This variant has not been reported in individuals affected with cardiovascular disorders in the literature. This variant has not been identified in the general population by the Genome Aggregation Database (gnomAD). The available evidence is insufficient to determine the role of this variant in disease conclusively. Therefore, this variant is classified as a Variant of Uncertain Significance.

GeneDx
Classification: Uncertain significance. Last evaluated: 2023-11-16. Review status: criteria provided, single submitter. Criteria: GeneDx Variant Classification Process June 2021. Collection method: clinical testing. Allele origin: germline. Affected: yes.
Comment: Not observed at significant frequency in large population cohorts (gnomAD); In silico analysis supports that this missense variant has a deleterious effect on protein structure/function; Has not been previously published as pathogenic or benign to our knowledge

All of Us Research Program, National Institutes of Health
Classification: Uncertain significance for Familial thoracic aortic aneurysm and aortic dissection. Last evaluated: 2023-09-05. Review status: criteria provided, single submitter. Criteria: ACMG Guidelines, 2015. Collection method: clinical testing. Allele origin: germline. Inheritance: Autosomal dominant inheritance. Observed: 1 variant allele, 1 heterozygote.
Comment: This missense variant replaces glutamine with histidine at codon 662 of the MYH11 protein. Computational prediction is inconclusive regarding the impact of this variant on protein structure and function (internally defined REVEL score threshold 0.5 < inconclusive < 0.7, PMID: 27666373). To our knowledge, functional studies have not been reported for this variant. This variant has not been reported in individuals affected with cardiovascular disorders in the literature. This variant has not been identified in the general population by the Genome Aggregation Database (gnomAD). The available evidence is insufficient to determine the role of this variant in disease conclusively. Therefore, this variant is classified as a Variant of Uncertain Significance.

This study involves interpretation of variants in research participants for the purpose of population health screening. Participant phenotype was not available at the time of variant classification. Additional details can be found in publication PMID: 35346344, PMCID: PMC8962531

NM_002474.3(MYH11):c.1965G>T (p.Gln655His)

Gene: MYH11 (myosin heavy chain 11; minus strand). Cytogenetic location: 16p13.11.
Variant type: single nucleotide variant.
Coding change: c.1965G>T on transcript NM_002474.3 (MANE Select); coding-DNA position 1965, G replaced by T.
Protein change: p.Gln655His; replaces glutamine 655 with histidine.
Molecular consequence: missense variant.
Genome position (GRCh38, 1-based): chr16:15,750,231, C>A on the plus strand (G>T on the coding strand, the complement: MYH11 is on the minus strand). VCF-style: chr16-15750231-C-A. GRCh37 (hg19) VCF-style: chr16-15844088-C-A.
Other names: c.1965G>T (NM_002474.2); c.1986G>T, p.Gln662His (NM_001040113.2, NM_001040114.2); c.1965G>T, p.Gln655His (NM_022844.3); short protein forms Q655H, Q662H.
Identifiers: ClinVar variation 1332194 (VCV001332194.9), dbSNP rs2041530068, ClinGen allele CA394869020.